The following is an entry in ClinVar:

ClinVar aggregate classification (germline): Uncertain significance (1 of 4 stars; one submission).

Conditions:
Cardiomyopathy (CMYO). Also called: Cardiomyopathies. Identifiers: Orphanet 167848, MedGen C0878544, MONDO:0004994, HP:0001638. Inheritance: Various modes of inheritance.

Submission:

Color Diagnostics, LLC DBA Color Health
Classification: Uncertain significance for Cardiomyopathy. Last evaluated: 2024-03-07. Review status: criteria provided, single submitter. Criteria: ACMG Guidelines, 2015. Collection method: clinical testing. Allele origin: germline.
Comment: This missense variant replaces tryptophan with leucine at codon 792 of the MYBPC3 protein. Computational prediction suggests that this variant may have deleterious impact on protein structure and function (internally defined REVEL score threshold >= 0.7, PMID: 27666373). To our knowledge, functional studies have not been reported for this variant. This variant has not been reported in individuals affected with cardiovascular disorders in the literature. This variant has not been identified in the general population by the Genome Aggregation Database (gnomAD). The available evidence is insufficient to determine the role of this variant in disease conclusively. Therefore, this variant is classified as a Variant of Uncertain Significance.

NM_000256.3(MYBPC3):c.2375G>T (p.Trp792Leu)

Gene: MYBPC3 (myosin binding protein C3; minus strand). Cytogenetic location: 11p11.2.
Variant type: single nucleotide variant.
Coding change: c.2375G>T on transcript NM_000256.3 (MANE Select); coding-DNA position 2375, G replaced by T.
Protein change: p.Trp792Leu; replaces tryptophan 792 with leucine.
Molecular consequence: missense variant.
Genome position (GRCh38, 1-based): chr11:47,337,728, C>A on the plus strand (G>T on the coding strand, the complement: MYBPC3 is on the minus strand). VCF-style: chr11-47337728-C-A. GRCh37 (hg19) VCF-style: chr11-47359279-C-A.
Other names: short protein forms W792L.
Identifiers: ClinVar variation 2773719 (VCV002773719.2), dbSNP rs2495750393, ClinGen allele CA049778.
Genomic context (GRCh38, chr11:47,337,728, plus strand): 5'-CATCCGGTGCCCTTGCACTCACCCAGGATGGGCTGCCCGCCATCGTAGGCAGGCGGCTCC[C>A]ACTGTACTGTGCAGGAGTCCTCTCCCACGTTGCTGATCTTGGGGGCCGCAGGTGCGTCTG-3'
Protein context (NP_000247.2, residues 782-802): NVGEDSCTVQ[Trp792Leu]EPPAYDGGQP